The following is an entry in ClinVar:

NM_000338.3(SLC12A1):c.325G>A (p.Val109Ile)

Gene: SLC12A1 (solute carrier family 12 member 1; plus strand). Cytogenetic location: 15q21.1.
Variant type: single nucleotide variant.
Coding change: c.325G>A on transcript NM_000338.3 (MANE Select); coding-DNA position 325, G replaced by A.
Protein change: p.Val109Ile; replaces valine 109 with isoleucine.
Molecular consequence: missense variant.
Genome position (GRCh38, 1-based): chr15:48,208,044, G>A. VCF-style: chr15-48208044-G-A. GRCh37 (hg19) VCF-style: chr15-48500241-G-A.
Other names: c.325G>A, p.Val109Ile (NM_001184832.2, NM_001384136.1); short protein forms V109I.
Identifiers: ClinVar variation 2381542 (VCV002381542.4), dbSNP rs373101131, ClinGen allele CA7546723.

ClinVar aggregate classification (germline): Uncertain significance. Review status: criteria provided, multiple submitters, no conflicts (2 of 4 stars). 2 submissions from 2 submitters: Uncertain significance (2). Last evaluated 2024-12-30.

Conditions:
Inborn genetic diseases. Identifiers: MedGen C0950123, MeSH D030342.

Allele frequency attached by ClinVar (database versions not stated): gnomAD exomes 0.00006; TOPMed 0.00011; ExAC 0.00012; gnomAD 0.00012; ESP Exome Variant Server 0.00015; 1000 Genomes Project 0.00020; 1000 Genomes Project 30x 0.00031.
gnomAD v4.1: 108 of 1,613,932 alleles (0.0067%); highest among the groups gnomAD compares: Middle Eastern, 0.033%; no homozygotes.

Submissions (2):

Labcorp Genetics (formerly Invitae), Labcorp
Classification: Uncertain significance. Last evaluated: 2024-12-30. Review status: criteria provided, single submitter. Criteria: Invitae Variant Classification Sherloc (09022015). Collection method: clinical testing. Allele origin: germline.
Comment: This sequence change replaces valine, which is neutral and non-polar, with isoleucine, which is neutral and non-polar, at codon 109 of the SLC12A1 protein (p.Val109Ile). This variant is present in population databases (rs373101131, gnomAD 0.03%). This variant has not been reported in the literature in individuals affected with SLC12A1-related conditions. ClinVar contains an entry for this variant (Variation ID: 2381542). An algorithm developed to predict the effect of missense changes on protein structure and function outputs the following: PolyPhen-2: "Probably Damaging". The isoleucine amino acid residue is found in multiple mammalian species, which suggests that this missense change does not adversely affect protein function. In summary, the available evidence is currently insufficient to determine the role of this variant in disease. Therefore, it has been classified as a Variant of Uncertain Significance.

Ambry Genetics
Classification: Uncertain significance for Inborn genetic diseases. Last evaluated: 2022-01-05. Review status: criteria provided, single submitter. Criteria: Ambry Variant Classification Scheme 2023. Collection method: clinical testing. Allele origin: germline.